The following is an entry in ClinVar:

NM_173689.7(CRB2):c.932G>A (p.Gly311Asp)

Gene: CRB2 (crumbs cell polarity complex component 2; plus strand). Cytogenetic location: 9q33.3.
Variant type: single nucleotide variant.
Coding change: c.932G>A on transcript NM_173689.7 (MANE Select); coding-DNA position 932, G replaced by A.
Protein change: p.Gly311Asp; replaces glycine 311 with aspartic acid.
Molecular consequence: missense variant.
Genome position (GRCh38, 1-based): chr9:123,367,349, G>A. VCF-style: chr9-123367349-G-A. GRCh37 (hg19) VCF-style: chr9-126129628-G-A.
Other names: short protein forms G311D.
Identifiers: ClinVar variation 1480804 (VCV001480804.8), dbSNP rs2132761485, ClinGen allele CA374859547.

ClinVar aggregate classification (germline): Uncertain significance (1 of 4 stars; one submission).

Submission:

Labcorp Genetics (formerly Invitae), Labcorp
Classification: Uncertain significance. Last evaluated: 2021-05-14. Review status: criteria provided, single submitter. Criteria: Invitae Variant Classification Sherloc (09022015). Collection method: clinical testing. Allele origin: germline.
Comment: Advanced modeling of protein sequence and biophysical properties (such as structural, functional, and spatial information, amino acid conservation, physicochemical variation, residue mobility, and thermodynamic stability) performed at Invitae indicates that this missense variant is expected to disrupt CRB2 protein function. In summary, the available evidence is currently insufficient to determine the role of this variant in disease. Therefore, it has been classified as a Variant of Uncertain Significance. This variant has not been reported in the literature in individuals with CRB2-related conditions. This variant is not present in population databases (ExAC no frequency). This sequence change replaces glycine with aspartic acid at codon 311 of the CRB2 protein (p.Gly311Asp). The glycine residue is highly conserved and there is a moderate physicochemical difference between glycine and aspartic acid.